The following is an entry in ClinVar:

NM_001232.4(CASQ2):c.1122TGA[2] (p.Asp376del)

Gene: CASQ2 (calsequestrin 2; minus strand). Cytogenetic location: 1p13.1.
Variant type: Microsatellite.
Coding change: c.1122TGA[2] on transcript NM_001232.4 (MANE Select); two copies in a row of the 3-base unit TGA starting at c.1122; the reference has three copies in a row; one copy, 3 bases deleted.
Protein change: p.Asp376del; deletes aspartic acid 376.
Molecular consequence: inframe deletion.
Genome position (GRCh38, 1-based): chr1:115,701,311-115,701,313, TCA deleted on the plus strand (TGA on the coding strand, the reverse complement: CASQ2 is on the minus strand); deleting any 3 consecutive bases within chr1:115,701,311-115,701,321 gives the same sequence; the position shown is the placement nearest the transcript's 3' end. VCF-style (leftmost placement, unchanged base first): chr1-115701310-TTCA-T. GRCh37 (hg19) VCF-style: chr1-116243931-TTCA-T.
Other names: c.1128_1130delTGA (NM_001232.3); short protein forms D376del.
Identifiers: ClinVar variation 520464 (VCV000520464.12), dbSNP rs202241842, ClinGen allele CA1023613.

ClinVar aggregate classification (germline): Uncertain significance. Review status: criteria provided, multiple submitters, no conflicts (2 of 4 stars). 4 submissions from 4 submitters: Uncertain significance (4). Last evaluated 2025-08-25.

Conditions:
Cardiovascular phenotype. Identifiers: MedGen CN230736.
Catecholaminergic polymorphic ventricular tachycardia 2. Also called: CASQ2-Related Catecholaminergic Polymorphic Ventricular Tachycardia; VENTRICULAR TACHYCARDIA, STRESS-INDUCED POLYMORPHIC 2. Identifiers: Orphanet 3286, MedGen C2677794, MONDO:0012762, OMIM 611938.
Catecholaminergic polymorphic ventricular tachycardia 1. Also called: RYR2-Related Catecholaminergic Polymorphic Ventricular Tachycardia; VENTRICULAR TACHYCARDIA, CATECHOLAMINERGIC POLYMORPHIC, 1, WITH OR WITHOUT ATRIAL DYSFUNCTION AND/OR DILATED CARDIOMYOPATHY; VENTRICULAR TACHYCARDIA, STRESS-INDUCED POLYMORPHIC 1. Identifiers: Orphanet 3286, MedGen C1631597, MONDO:0011484, OMIM 604772.

Submissions (4):

Labcorp Genetics (formerly Invitae), Labcorp
Classification: Uncertain significance for Catecholaminergic polymorphic ventricular tachycardia 1. Last evaluated: 2025-08-25. Review status: criteria provided, single submitter. Criteria: Invitae Variant Classification Sherloc (09022015). Collection method: clinical testing. Allele origin: germline.
Comment: This variant, c.1128_1130del, results in the deletion of 1 amino acid(s) of the CASQ2 protein (p.Asp376del), but otherwise preserves the integrity of the reading frame. The frequency data for this variant in the population databases is considered unreliable, as metrics indicate poor data quality at this position in the gnomAD database. This variant has not been reported in the literature in individuals affected with CASQ2-related conditions. Experimental studies and prediction algorithms are not available or were not evaluated, and the functional significance of this variant is currently unknown. In summary, the available evidence is currently insufficient to determine the role of this variant in disease. Therefore, it has been classified as a Variant of Uncertain Significance.

Ambry Genetics
Classification: Uncertain significance for Cardiovascular phenotype. Last evaluated: 2025-07-29. Review status: criteria provided, single submitter. Criteria: Ambry Variant Classification Scheme 2023. Collection method: clinical testing. Allele origin: germline.
Comment: The c.1128_1130delTGA variant (also known as p.D376del) is located in coding exon 11 of the CASQ2 gene. This variant results from an in-frame TGA deletion at nucleotide positions 1128 to 1130. This results in the in-frame deletion of an aspartic acid at codon 376. This amino acid position is not well conserved in available vertebrate species. In addition, the in silico prediction for this variant is inconclusive (Choi Y et al. PLoS ONE. 2012; 7(10):e46688). Based on the available evidence, the clinical significance of this variant remains unclear.

Genome-Nilou Lab
Classification: Uncertain significance for Catecholaminergic polymorphic ventricular tachycardia 2. Last evaluated: 2023-04-11. Review status: criteria provided, single submitter. Criteria: ACMG Guidelines, 2015. Collection method: clinical testing. Allele origin: germline. Affected: no.

Molecular Diagnostic Laboratory for Inherited Cardiovascular Disease, Montreal Heart Institute
Classification: Uncertain significance. Last evaluated: 2016-06-17. Review status: criteria provided, single submitter. Criteria: ACMG Guidelines, 2015. Collection method: clinical testing. Allele origin: germline. Affected: yes.